The following is an entry in ClinVar:

ClinVar aggregate classification (germline): Uncertain significance. Review status: criteria provided, multiple submitters, no conflicts (2 of 4 stars). 2 submissions from 2 submitters: Uncertain significance (2). Last evaluated 2022-09-01.

gnomAD v4.1: 2 of 1,614,132 alleles (0.00012%); highest among the groups gnomAD compares: Middle Eastern, 0.033%; no homozygotes.

Submissions (2):

Labcorp Genetics (formerly Invitae), Labcorp
Classification: Uncertain significance. Last evaluated: 2022-09-01. Review status: criteria provided, single submitter. Criteria: Invitae Variant Classification Sherloc (09022015). Collection method: clinical testing. Allele origin: germline.
Comment: This sequence change replaces alanine, which is neutral and non-polar, with valine, which is neutral and non-polar, at codon 3398 of the FAT4 protein (p.Ala3398Val). This variant is not present in population databases (gnomAD no frequency). In summary, the available evidence is currently insufficient to determine the role of this variant in disease. Therefore, it has been classified as a Variant of Uncertain Significance. Algorithms developed to predict the effect of sequence changes on RNA splicing suggest that this variant may create or strengthen a splice site. Advanced modeling of protein sequence and biophysical properties (such as structural, functional, and spatial information, amino acid conservation, physicochemical variation, residue mobility, and thermodynamic stability) performed at Invitae indicates that this missense variant is not expected to disrupt FAT4 protein function. ClinVar contains an entry for this variant (Variation ID: 450637). This variant has not been reported in the literature in individuals affected with FAT4-related conditions.

GeneDx
Classification: Uncertain significance. Last evaluated: 2017-07-20. Review status: criteria provided, single submitter. Criteria: GeneDx Variant Classification (06012015). Collection method: clinical testing. Allele origin: germline. Affected: yes.
Comment: A variant of uncertain significance has been identified in the FAT4 gene. The A3398V variant has not been published as a pathogenic variant, nor has it been reported as a benign variant to our knowledge. The A3398V variant is not observed in large population cohorts (Lek et al., 2016; 1000 Genomes Consortium et al., 2015; Exome Variant Server). This substitution occurs at a position that is conserved across species. In silico analysis predicts this variant is probably damaging to the protein structure/function. However, the A3398V variant is a conservative amino acid substitution, which is not likely to impact secondary protein structure as these residues share similar properties. Therefore, based on the currently available information, it is unclear whether this variant is a pathogenic variant or a rare benign variant.

NM_001291303.3(FAT4):c.10199C>T (p.Ala3400Val)

Gene: FAT4 (FAT atypical cadherin 4; plus strand). Cytogenetic location: 4q28.1.
Variant type: single nucleotide variant.
Coding change: c.10199C>T on transcript NM_001291303.3 (MANE Select); coding-DNA position 10199, C replaced by T.
Protein change: p.Ala3400Val; replaces alanine 3400 with valine.
Molecular consequence: missense variant.
Genome position (GRCh38, 1-based): chr4:125,451,209, C>T. VCF-style: chr4-125451209-C-T. GRCh37 (hg19) VCF-style: chr4-126372364-C-T.
Other names: c.10199C>T, p.Ala3400Val (NM_001291285.3); c.10193C>T, p.Ala3398Val (NM_024582.6); short protein forms A3398V, A3400V.
Identifiers: ClinVar variation 450637 (VCV000450637.7), dbSNP rs1553927211, ClinGen allele CA358157690.